The following is an entry in ClinVar:

ClinVar aggregate classification (germline): Benign/Likely benign. Review status: criteria provided, multiple submitters, no conflicts (2 of 4 stars). 6 submissions from 6 submitters: Benign (5); Likely benign (1). Last evaluated 2025-11-21.

Conditions:
Spinocerebellar ataxia type 35. Identifiers: Orphanet 276193, MedGen C3888031, MONDO:0013485, OMIM 613908.

Allele frequency attached by ClinVar (database versions not stated): ExAC 0.00199; gnomAD 0.00531 and 0.00574; ESP Exome Variant Server 0.00584; TOPMed 0.00595; 1000 Genomes Project 0.00619; 1000 Genomes Project 30x 0.00671.
gnomAD v4.1: 1,592 of 1,602,900 alleles (0.099%); highest among the groups gnomAD compares: African/African-American, 1.9%; 8 homozygotes.

Submissions (6):

Labcorp Genetics (formerly Invitae), Labcorp
Classification: Benign. Last evaluated: 2025-11-21. Review status: criteria provided, single submitter. Criteria: Invitae Variant Classification Sherloc (09022015). Collection method: clinical testing. Allele origin: germline.

Mayo Clinic Laboratories, Mayo Clinic
Classification: Benign. Last evaluated: 2025-03-04. Review status: criteria provided, single submitter. Criteria: ACMG Guidelines, 2015. Collection method: clinical testing. Allele origin: germline. Observed: 1 variant allele.
Comment: BS1, BS2, BP4_moderate

Athena Diagnostics
Classification: Benign. Last evaluated: 2024-12-23. Review status: criteria provided, single submitter. Criteria: Athena Diagnostics Criteria. Collection method: clinical testing. Allele origin: unknown.
Comment: The frequency of this variant in the general population is higher than would generally be expected for pathogenic variants in this gene.

Blueprint Genetics
Classification: Likely benign. Last evaluated: 2024-11-27. Review status: criteria provided, single submitter. Criteria: ACMG Guidelines, 2015. Collection method: clinical testing. Allele origin: germline.

Illumina Laboratory Services, Illumina
Classification: Benign for Spinocerebellar ataxia type 35. Last evaluated: 2018-01-13. Review status: criteria provided, single submitter. Criteria: ICSL Variant Classification Criteria 13 December 2019. Collection method: clinical testing. Allele origin: germline.
Comment: This variant was observed in the ICSL laboratory as part of a predisposition screen in an ostensibly healthy population. It had not been previously curated by ICSL or reported in the Human Gene Mutation Database (HGMD: prior to June 1st, 2018), and was therefore a candidate for classification through an automated scoring system. Utilizing variant allele frequency, disease prevalence and penetrance estimates, and inheritance mode, an automated score was calculated to assess if this variant is too frequent to cause the disease. Based on the score and internal cut-off values, a variant classified as benign is not then subjected to further curation. The score for this variant resulted in a classification of benign for this disease.

Breakthrough Genomics
Classification: Benign. Review status: criteria provided, single submitter. Criteria: ACMG Guidelines, 2015. Collection method: not provided. Allele origin: germline. Inheritance: Autosomal dominant inheritance. Affected: yes.

NM_198994.3(TGM6):c.1657G>A (p.Val553Met)

Gene: TGM6 (transglutaminase 6; plus strand). Cytogenetic location: 20p13.
Variant type: single nucleotide variant.
Coding change: c.1657G>A on transcript NM_198994.3 (MANE Select); coding-DNA position 1657, G replaced by A.
Protein change: p.Val553Met; replaces valine 553 with methionine.
Molecular consequence: missense variant.
Genome position (GRCh38, 1-based): chr20:2,417,552, G>A. VCF-style: chr20-2417552-G-A. GRCh37 (hg19) VCF-style: chr20-2398198-G-A.
Other names: p.Val553Met; c.1657G>A, p.Val553Met (NM_001254734.2); short protein forms V553M.
Identifiers: ClinVar variation 337934 (VCV000337934.18), dbSNP rs74338361, ClinGen allele CA9732158.